The following is an entry in ClinVar:

ClinVar aggregate classification (germline): Uncertain significance (1 of 4 stars; one submission).

Conditions:
RP1L1-related disorder. Also called: RP1L1-related condition.

gnomAD v4.1: 17 of 1,614,096 alleles (0.0011%); highest among the groups gnomAD compares: African/African-American, 0.017%; no homozygotes.

Submission:

PreventionGenetics, part of Exact Sciences
Classification: Uncertain significance for RP1L1-related condition. Last evaluated: 2024-10-18. Review status: criteria provided, single submitter. Criteria: ACMG Guidelines, 2015. Collection method: clinical testing. Allele origin: germline.
Comment: The RP1L1 c.5323A>G variant is predicted to result in the amino acid substitution p.Lys1775Glu. To our knowledge, this variant has not been reported in the literature. This variant is reported in 0.0083% of alleles in individuals of African descent in gnomAD. At this time, the clinical significance of this variant is uncertain due to the absence of conclusive functional and genetic evidence.

NM_178857.6(RP1L1):c.5323A>G (p.Lys1775Glu)

Gene: RP1L1 (RP1 like 1). Cytogenetic location: 8p23.1.
Variant type: single nucleotide variant.
Coding change: c.5323A>G on transcript NM_178857.6 (MANE Select); coding-DNA position 5323, A replaced by G.
Protein change: p.Lys1775Glu; replaces lysine 1775 with glutamic acid.
Molecular consequence: missense variant.
Genome position (GRCh38, 1-based): chr8:10,608,775, T>C on the plus strand (A>G on the coding strand, the complement: RP1L1 is on the minus strand). VCF-style: chr8-10608775-T-C. GRCh37 (hg19) VCF-style: chr8-10466285-T-C.
Other names: short protein forms K1775E.
Identifiers: ClinVar variation 4984492 (VCV004984492.1).
Genomic context (GRCh38, chr8:10,608,775, plus strand): 5'-CTCCCTCCTGCTCAGCTTCCCCCAACTCACTGCCCGCACTGGTTTCACTGTTGTGGGTTT[T>C]CCCTTCTCTCTCCTGAGCCATTGCATCTCCCTCTGCCTCCCCGAGTTTGGGATCTTTGTC-3'
Protein context (NP_849188.4, residues 1765-1785): GDAMAQEREG[Lys1775Glu]THNSETSAGS